The following is an entry in ClinVar:

NM_001303.4(COX10):c.1309G>T (p.Asp437Tyr)

Gene: COX10 (cytochrome c oxidase assembly factor heme A:farnesyltransferase COX10; plus strand). Cytogenetic location: 17p12.
Variant type: single nucleotide variant.
Coding change: c.1309G>T on transcript NM_001303.4 (MANE Select); coding-DNA position 1309, G replaced by T.
Protein change: p.Asp437Tyr; replaces aspartic acid 437 with tyrosine.
Molecular consequence: missense variant.
Genome position (GRCh38, 1-based): chr17:14,207,190, G>T. VCF-style: chr17-14207190-G-T. GRCh37 (hg19) VCF-style: chr17-14110507-G-T.
Other names: short protein forms D437Y.
Identifiers: ClinVar variation 3681579 (VCV003681579.1).

ClinVar aggregate classification (germline): Uncertain significance (1 of 4 stars; one submission).

gnomAD v4.1: 1 of 1,600,314 alleles (0.000062%); highest among the groups gnomAD compares: Non-Finnish European, 0.000085%; no homozygotes.

Submission:

Labcorp Genetics (formerly Invitae), Labcorp
Classification: Uncertain significance. Last evaluated: 2024-06-23. Review status: criteria provided, single submitter. Criteria: Invitae Variant Classification Sherloc (09022015). Collection method: clinical testing. Allele origin: germline.
Comment: This sequence change replaces aspartic acid, which is acidic and polar, with tyrosine, which is neutral and polar, at codon 437 of the COX10 protein (p.Asp437Tyr). This variant is not present in population databases (gnomAD no frequency). This variant has not been reported in the literature in individuals affected with COX10-related conditions. Experimental studies and prediction algorithms are not available or were not evaluated, and the functional significance of this variant is currently unknown. Algorithms developed to predict the effect of sequence changes on RNA splicing suggest that this variant may create or strengthen a splice site. In summary, the available evidence is currently insufficient to determine the role of this variant in disease. Therefore, it has been classified as a Variant of Uncertain Significance.